The following is an entry in ClinVar:

NM_181882.3(PRX):c.2247A>T (p.Lys749Asn)

Gene: PRX (periaxin; minus strand). Cytogenetic location: 19q13.2.
Variant type: single nucleotide variant.
Coding change: c.2247A>T on transcript NM_181882.3 (MANE Select); coding-DNA position 2247, A replaced by T.
Protein change: p.Lys749Asn; replaces lysine 749 with asparagine.
Molecular consequence: missense variant. On other transcripts: 3 prime UTR variant (1).
Genome position (GRCh38, 1-based): chr19:40,396,105, T>A on the plus strand (A>T on the coding strand, the complement: PRX is on the minus strand). VCF-style: chr19-40396105-T-A. GRCh37 (hg19) VCF-style: chr19-40902012-T-A.
Other names: c.2532A>T, p.Lys844Asn (NM_001411127.1); c.*2452A>T (NM_020956.2); short protein forms K749N, K844N.
Identifiers: ClinVar variation 3389674 (VCV003389674.14).

ClinVar aggregate classification (germline): Uncertain significance (1 of 4 stars; one submission).

gnomAD v4.1: 3 of 1,614,186 alleles (0.00019%); highest among the groups gnomAD compares: Non-Finnish European, 0.00025%; no homozygotes.

Submission:

CeGaT Center for Human Genetics Tuebingen
Classification: Uncertain significance. Last evaluated: 2024-10-01. Review status: criteria provided, single submitter. Criteria: CeGaT Center For Human Genetics Tuebingen Variant Classification Criteria Version 2. Collection method: clinical testing. Allele origin: germline. Affected: yes. Observed: 1 variant allele.
Comment: PRX: PM2, BP4